The following is an entry in ClinVar:

ClinVar aggregate classification (germline): Pathogenic. Review status: criteria provided, multiple submitters, no conflicts (2 of 4 stars). 2 submissions from 2 submitters: Pathogenic (2). Last evaluated 2023-10-05.

Conditions:
Neuromuscular disease caused by qualitative or quantitative defects of dysferlin. Also called: Dysferlinopathy; Qualitative or quantitative defects of dysferlin. Identifiers: Orphanet 207073, MedGen C2931687, MONDO:0016145.

Allele frequency attached by ClinVar (database versions not stated): gnomAD 0.00001; gnomAD exomes below 0.00001; TOPMed below 0.00001.
gnomAD v4.1: 2 of 1,613,598 alleles (0.00012%); highest among the groups gnomAD compares: Admixed American, 0.0017%; no homozygotes.

Submissions (2):

Labcorp Genetics (formerly Invitae), Labcorp
Classification: Pathogenic for Neuromuscular disease caused by qualitative or quantitative defects of dysferlin. Last evaluated: 2023-10-05. Review status: criteria provided, single submitter. Criteria: Invitae Variant Classification Sherloc (09022015). Collection method: clinical testing. Allele origin: germline.
Comment: This sequence change creates a premature translational stop signal (p.Trp1257*) in the DYSF gene. It is expected to result in an absent or disrupted protein product. Loss-of-function variants in DYSF are known to be pathogenic (PMID: 17698709, 20301480). This variant is not present in population databases (gnomAD no frequency). This premature translational stop signal has been observed in individual(s) with dysferlinopathy (PMID: 32400077). ClinVar contains an entry for this variant (Variation ID: 498955). For these reasons, this variant has been classified as Pathogenic.

Eurofins Ntd Llc (ga)
Classification: Pathogenic. Last evaluated: 2016-12-10. Review status: criteria provided, single submitter. Criteria: EGL Classification Definitions 2015. Collection method: clinical testing. Allele origin: germline. Observed: 1 variant allele, 1 heterozygote.

Literature cited by the submitters: PubMed 17698709 (cited by Labcorp Genetics (formerly Invitae), Labcorp); PubMed 20301480 (cited by Labcorp Genetics (formerly Invitae), Labcorp); PubMed 32400077 (cited by Labcorp Genetics (formerly Invitae), Labcorp).

NM_001130987.2(DYSF):c.3824G>A (p.Trp1275Ter)

Gene: DYSF (dysferlin; plus strand). Cytogenetic location: 2p13.2.
Variant type: single nucleotide variant.
Coding change: c.3824G>A on transcript NM_001130987.2 (MANE Select); coding-DNA position 3824, G replaced by A.
Protein change: p.Trp1275Ter; replaces tryptophan 1275 with a stop codon.
Molecular consequence: nonsense.
Genome position (GRCh38, 1-based): chr2:71,600,769, G>A. VCF-style: chr2-71600769-G-A. GRCh37 (hg19) VCF-style: chr2-71827899-G-A.
Other names: c.3773G>A, p.Trp1258Ter (NM_001130455.2, NM_001130983.2); c.3728G>A, p.Trp1243Ter (NM_001130976.2, NM_001130977.2); c.3770G>A, p.Trp1257Ter (NM_001130978.2, NM_003494.4); c.3863G>A, p.Trp1288Ter (NM_001130979.2); c.3821G>A, p.Trp1274Ter (NM_001130980.2, NM_001130981.2); c.3866G>A, p.Trp1289Ter (NM_001130982.2); c.3731G>A, p.Trp1244Ter (NM_001130984.2, NM_001130986.2); c.3824G>A, p.Trp1275Ter (NM_001130985.2); short protein forms W1257*, W1275*, W1289*, W1244*, W1274*, W1258*, W1288*, W1243*.
Identifiers: ClinVar variation 498955 (VCV000498955.8), dbSNP rs1553376538, ClinGen allele CA347225281.